The following is an entry in ClinVar:

NM_006035.4(CDC42BPB):c.155T>C (p.Val52Ala)

Gene: CDC42BPB (CDC42 binding protein kinase beta; minus strand). Cytogenetic location: 14q32.32.
Variant type: single nucleotide variant.
Coding change: c.155T>C on transcript NM_006035.4 (MANE Select); coding-DNA position 155, T replaced by C.
Protein change: p.Val52Ala; replaces valine 52 with alanine.
Molecular consequence: missense variant.
Genome position (GRCh38, 1-based): chr14:103,057,019, A>G on the plus strand (T>C on the coding strand, the complement: CDC42BPB is on the minus strand). VCF-style: chr14-103057019-A-G. GRCh37 (hg19) VCF-style: chr14-103523356-A-G.
Other names: c.155T>C, p.Val52Ala (NM_001411054.1); short protein forms V52A.
Identifiers: ClinVar variation 4223318 (VCV004223318.2).

ClinVar aggregate classification (germline): Uncertain significance. Review status: criteria provided, multiple submitters, no conflicts (2 of 4 stars). 2 submissions from 2 submitters: Uncertain significance (2). Last evaluated 2025-08-20.

Conditions:
Inborn genetic diseases. Identifiers: MedGen C0950123, MeSH D030342.

Submissions (2):

Ambry Genetics
Classification: Uncertain significance for Inborn genetic diseases. Last evaluated: 2025-08-20. Review status: criteria provided, single submitter. Criteria: Ambry Variant Classification Scheme 2023. Collection method: clinical testing. Allele origin: germline.

GeneDx
Classification: Uncertain significance. Last evaluated: 2025-07-06. Review status: criteria provided, single submitter. Criteria: GeneDx Variant Classification Process June 2021. Collection method: clinical testing. Allele origin: germline. Affected: yes.
Comment: Not observed at significant frequency in large population cohorts (gnomAD); In silico analysis supports that this missense variant has a deleterious effect on protein structure/function; Has not been previously published as pathogenic or benign to our knowledge